The following is an entry in ClinVar:

ClinVar aggregate classification (germline): Uncertain significance. Review status: criteria provided, multiple submitters, no conflicts (2 of 4 stars). 2 submissions from 2 submitters: Uncertain significance (2). Last evaluated 2025-12-18.

Conditions:
Hereditary nonpolyposis colorectal neoplasms. Identifiers: MedGen C0009405, MeSH D003123.
Lynch syndrome. Identifiers: Orphanet 144, MedGen C4552100, MONDO:0005835. Disease mechanism: loss of function.

Submissions (2):

Labcorp Genetics (formerly Invitae), Labcorp
Classification: Uncertain significance for Hereditary nonpolyposis colorectal neoplasms. Last evaluated: 2025-12-18. Review status: criteria provided, single submitter. Criteria: Invitae Variant Classification Sherloc (09022015). Collection method: clinical testing. Allele origin: germline.
Comment: This sequence change replaces arginine, which is basic and polar, with glycine, which is neutral and non-polar, at codon 140 of the MSH6 protein (p.Arg140Gly). This variant is not present in population databases (gnomAD no frequency). This variant has not been reported in the literature in individuals affected with MSH6-related conditions. ClinVar contains an entry for this variant (Variation ID: 3072024). Invitae Evidence Modeling of protein sequence and biophysical properties (such as structural, functional, and spatial information, amino acid conservation, physicochemical variation, residue mobility, and thermodynamic stability) indicates that this missense variant is not expected to disrupt MSH6 protein function with a negative predictive value of 95%. In summary, the available evidence is currently insufficient to determine the role of this variant in disease. Therefore, it has been classified as a Variant of Uncertain Significance.

All of Us Research Program, National Institutes of Health
Classification: Uncertain significance for Lynch syndrome. Last evaluated: 2023-06-26. Review status: criteria provided, single submitter. Criteria: ACMG Guidelines, 2015. Collection method: clinical testing. Allele origin: germline. Inheritance: Autosomal dominant inheritance. Observed: 1 variant allele, 1 heterozygote.
Comment: This missense variant replaces arginine with glycine at codon 140 of the MSH6 protein. Computational prediction suggests that this variant may have deleterious impact on protein structure and function (internally defined REVEL score threshold >= 0.7, PMID: 27666373). To our knowledge, functional studies have not been reported for this variant. This variant has not been reported in individuals affected with MSH6-related disorders in the literature. This variant has not been identified in the general population by the Genome Aggregation Database (gnomAD). The available evidence is insufficient to determine the role of this variant in disease conclusively. Therefore, this variant is classified as a Variant of Uncertain Significance.

This study involves interpretation of variants in research participants for the purpose of population health screening. Participant phenotype was not available at the time of variant classification. Additional details can be found in publication PMID: 35346344, PMCID: PMC8962531

NM_000179.3(MSH6):c.418A>G (p.Arg140Gly)

Gene: MSH6 (mutS homolog 6; plus strand). Cytogenetic location: 2p16.3.
Variant type: single nucleotide variant.
Coding change: c.418A>G on transcript NM_000179.3 (MANE Select); coding-DNA position 418, A replaced by G.
Protein change: p.Arg140Gly; replaces arginine 140 with glycine.
Molecular consequence: missense variant. On other transcripts: 5 prime UTR variant (7), non-coding transcript variant (5), intron variant (6).
Genome position (GRCh38, 1-based): chr2:47,791,084, A>G. VCF-style: chr2-47791084-A-G. GRCh37 (hg19) VCF-style: chr2-48018223-A-G.
Other names: c.-319A>G (NM_001281493.2, NM_001406811.1, NM_001406823.1 and 1 more transcripts); c.-485A>G (NM_001281494.2); c.514A>G, p.Arg172Gly (NM_001406795.1, NM_001406802.1); c.418A>G, p.Arg140Gly (NM_001406796.1, NM_001406798.1, NM_001406800.1 and 6 more transcripts); c.121A>G, p.Arg41Gly (NM_001406797.1, NM_001406801.1, NM_001406805.1 and 10 more transcripts); c.340A>G, p.Arg114Gly (NM_001406804.1); c.-511A>G (NM_001406807.1); c.-577A>G (NM_001406814.1); and 5 more; short protein forms R114G, R140G, R172G, R41G, R84G.
Identifiers: ClinVar variation 3072024 (VCV003072024.2), dbSNP rs2104110075, ClinGen allele CA346737128.